The following is an entry in ClinVar:

ClinVar aggregate classification (germline): Uncertain significance. Review status: criteria provided, multiple submitters, no conflicts (2 of 4 stars). 3 submissions from 3 submitters: Uncertain significance (2). 1 of the submissions does not count toward it. Last evaluated 2024-04-22.

Conditions:
TTC21B-related disorder. Also called: TTC21B-related disorders; TTC21B-related condition.
Nephronophthisis 12 (NPHP12). Identifiers: Orphanet 655, MedGen C3151186, MONDO:0013442, OMIM 613820.
Asphyxiating thoracic dystrophy 4 (SRTD4). Also called: SHORT-RIB THORACIC DYSPLASIA 4 WITH OR WITHOUT POLYDACTYLY; SHORT-RIB THORACIC DYSPLASIA 4. Identifiers: Orphanet 474, MedGen C3151185, MONDO:0013441, OMIM 613819.
Nephronophthisis. Also called: Juvenile Nephronophthisis. Identifiers: Orphanet 655, MedGen C0687120, MONDO:0019005, HP:0000090.
Jeune thoracic dystrophy. Also called: Short-rib thoracic dysplasia; Jeune syndrome; Infantile thoracic dystrophy; Thoracic pelvic phalangeal dystrophy; Jeune's syndrome; Chondroectodermal dysplasia-like syndrome. Identifiers: Orphanet 474, MedGen C0265275, MONDO:0018770.

Allele frequency attached by ClinVar (database versions not stated): gnomAD exomes 0.00001; TOPMed 0.00001.
gnomAD v4.1: 3 of 1,612,112 alleles (0.00019%); highest among the groups gnomAD compares: Admixed American, 0.005%; no homozygotes.

Submissions (3):

Fulgent Genetics
Classification: Uncertain significance for Asphyxiating thoracic dystrophy 4; Nephronophthisis 12. Last evaluated: 2024-04-22. Review status: criteria provided, single submitter. Criteria: ACMG Guidelines, 2015. Collection method: clinical testing. Allele origin: germline.

Labcorp Genetics (formerly Invitae), Labcorp
Classification: Uncertain significance for Jeune thoracic dystrophy; Nephronophthisis. Last evaluated: 2022-11-15. Review status: criteria provided, single submitter. Criteria: Invitae Variant Classification Sherloc (09022015). Collection method: clinical testing. Allele origin: germline.
Comment: In summary, the available evidence is currently insufficient to determine the role of this variant in disease. Therefore, it has been classified as a Variant of Uncertain Significance. Advanced modeling of protein sequence and biophysical properties (such as structural, functional, and spatial information, amino acid conservation, physicochemical variation, residue mobility, and thermodynamic stability) performed at Invitae indicates that this missense variant is not expected to disrupt TTC21B protein function. ClinVar contains an entry for this variant (Variation ID: 1380329). This variant has not been reported in the literature in individuals affected with TTC21B-related conditions. This variant is present in population databases (no rsID available, gnomAD 0.006%). This sequence change replaces isoleucine, which is neutral and non-polar, with threonine, which is neutral and polar, at codon 305 of the TTC21B protein (p.Ile305Thr).

PreventionGenetics, part of Exact Sciences
Classification: Uncertain significance for TTC21B-related condition. Last evaluated: 2024-03-01. Review status: no assertion criteria provided. Collection method: clinical testing. Allele origin: germline. Not counted in ClinVar's aggregate classification.
Comment: The TTC21B c.914T>C variant is predicted to result in the amino acid substitution p.Ile305Thr. To our knowledge, this variant has not been reported in the literature. This variant is reported in 0.0058% of alleles in individuals of Latino descent in gnomAD. At this time, the clinical significance of this variant is uncertain due to the absence of conclusive functional and genetic evidence.

NM_024753.5(TTC21B):c.914T>C (p.Ile305Thr)

Gene: TTC21B (tetratricopeptide repeat domain 21B; minus strand). Cytogenetic location: 2q24.3.
Variant type: single nucleotide variant.
Coding change: c.914T>C on transcript NM_024753.5 (MANE Select); coding-DNA position 914, T replaced by C.
Protein change: p.Ile305Thr; replaces isoleucine 305 with threonine.
Molecular consequence: missense variant.
Genome position (GRCh38, 1-based): chr2:165,930,345, A>G on the plus strand (T>C on the coding strand, the complement: TTC21B is on the minus strand). VCF-style: chr2-165930345-A-G. GRCh37 (hg19) VCF-style: chr2-166786855-A-G.
Other names: c.914T>C (NM_024753.4); short protein forms I305T.
Identifiers: ClinVar variation 1380329 (VCV001380329.12), dbSNP rs1217195888, ClinGen allele CA349066976.